The following is an entry in ClinVar:

ClinVar aggregate classification (germline): Uncertain significance (1 of 4 stars; one submission).

Submission:

Labcorp Genetics (formerly Invitae), Labcorp
Classification: Uncertain significance. Last evaluated: 2025-11-02. Review status: criteria provided, single submitter. Criteria: Invitae Variant Classification Sherloc (09022015). Collection method: clinical testing. Allele origin: germline.
Comment: This sequence change creates a premature translational stop signal (p.Gln400*) in the LETM1 gene. It is expected to result in an absent or disrupted protein product. However, the current clinical and genetic evidence is not sufficient to establish whether loss-of-function variants in LETM1 cause disease. This variant is not present in population databases (gnomAD no frequency). This variant has not been reported in the literature in individuals affected with LETM1-related conditions. Algorithms developed to predict the effect of sequence changes on RNA splicing suggest that this variant may create or strengthen a splice site. In summary, the available evidence is currently insufficient to determine the role of this variant in disease. Therefore, it has been classified as a Variant of Uncertain Significance.

NM_012318.3(LETM1):c.1198C>T (p.Gln400Ter)

Gene: LETM1 (leucine zipper and EF-hand containing transmembrane protein 1; minus strand). Cytogenetic location: 4p16.3.
Variant type: single nucleotide variant.
Coding change: c.1198C>T on transcript NM_012318.3 (MANE Select); coding-DNA position 1198, C replaced by T.
Protein change: p.Gln400Ter; replaces glutamine 400 with a stop codon.
Molecular consequence: nonsense.
Genome position (GRCh38, 1-based): chr4:1,825,566, G>A on the plus strand (C>T on the coding strand, the complement: LETM1 is on the minus strand). VCF-style: chr4-1825566-G-A. GRCh37 (hg19) VCF-style: chr4-1827293-G-A.
Other names: short protein forms Q400*.
Identifiers: ClinVar variation 4768014 (VCV004768014.1).
Genomic context (GRCh38, chr4:1,825,566, plus strand): 5'-GAGGCTGATGTTTCCCTTGAGCCCGTGCCGGCCTGGCACCAGGCCAATATTCACGCACCT[G>A]CTTCAGCTGACCCCTCAGGCGGTCTTCCGTGACGCCCAGGGCCCGCATGCCTCGTGCCCG-3'